The following is an entry in ClinVar:

ClinVar aggregate classification (germline): Uncertain significance. Review status: criteria provided, multiple submitters, no conflicts (2 of 4 stars). 2 submissions from 2 submitters: Uncertain significance (2). Last evaluated 2024-03-25.

Allele frequency attached by ClinVar (database versions not stated): TOPMed 0.00001.

Submissions (2):

GeneDx
Classification: Uncertain significance. Last evaluated: 2024-03-25. Review status: criteria provided, single submitter. Criteria: GeneDx Variant Classification Process June 2021. Collection method: clinical testing. Allele origin: germline. Affected: yes.
Comment: Not observed at significant frequency in large population cohorts (gnomAD); In silico analysis supports that this missense variant has a deleterious effect on protein structure/function; Has not been previously published as pathogenic or benign to our knowledge

Labcorp Genetics (formerly Invitae), Labcorp
Classification: Uncertain significance. Last evaluated: 2023-09-25. Review status: criteria provided, single submitter. Criteria: Invitae Variant Classification Sherloc (09022015). Collection method: clinical testing. Allele origin: germline.
Comment: In summary, the available evidence is currently insufficient to determine the role of this variant in disease. Therefore, it has been classified as a Variant of Uncertain Significance. An algorithm developed to predict the effect of missense changes on protein structure and function (PolyPhen-2) suggests that this variant is likely to be disruptive. This variant has not been reported in the literature in individuals affected with CLCN6-related conditions. This variant is not present in population databases (gnomAD no frequency). This sequence change replaces alanine, which is neutral and non-polar, with threonine, which is neutral and polar, at codon 522 of the CLCN6 protein (p.Ala522Thr).

NM_001286.5(CLCN6):c.1564G>A (p.Ala522Thr)

Gene: CLCN6 (chloride voltage-gated channel 6; plus strand). Cytogenetic location: 1p36.22.
Variant type: single nucleotide variant.
Coding change: c.1564G>A on transcript NM_001286.5 (MANE Select); coding-DNA position 1564, G replaced by A.
Protein change: p.Ala522Thr; replaces alanine 522 with threonine.
Molecular consequence: missense variant. On other transcripts: non-coding transcript variant (1).
Genome position (GRCh38, 1-based): chr1:11,834,273, G>A. VCF-style: chr1-11834273-G-A. GRCh37 (hg19) VCF-style: chr1-11894330-G-A.
Other names: c.1498G>A, p.Ala500Thr (NM_001256959.2); c.1564G>A (NM_001286.3); short protein forms A500T, A522T.
Identifiers: ClinVar variation 3007826 (VCV003007826.4), dbSNP rs1282279571, ClinGen allele CA338435755.